The following is an entry in ClinVar:

NM_003098.3(SNTA1):c.826A>C (p.Lys276Gln)

Gene: SNTA1 (syntrophin alpha 1; minus strand). Cytogenetic location: 20q11.21.
Variant type: single nucleotide variant.
Coding change: c.826A>C on transcript NM_003098.3 (MANE Select); coding-DNA position 826, A replaced by C.
Protein change: p.Lys276Gln; replaces lysine 276 with glutamine.
Molecular consequence: missense variant.
Genome position (GRCh38, 1-based): chr20:33,412,658, T>G on the plus strand (A>C on the coding strand, the complement: SNTA1 is on the minus strand). VCF-style: chr20-33412658-T-G. GRCh37 (hg19) VCF-style: chr20-32000464-T-G.
Other names: short protein forms K276Q.
Identifiers: ClinVar variation 1006311 (VCV001006311.8), dbSNP rs1489981173, ClinGen allele CA408631521.
Genomic context (GRCh38, chr20:33,412,658, plus strand): 5'-GCTTGATGTCCTGGCTCCCAGCTGTGCTGGTGGCTGCCAACAGTGCCTGCAGCTCATCCT[T>G]GACCCGCGGCGTCAGAGTATTGACCTGGGCTTGGATGGCAGTCGCCCACGACCTCGCACT-3'
Protein context (NP_003089.1, residues 266-286): AQVNTLTPRV[Lys276Gln]DELQALLAAT

ClinVar aggregate classification (germline): Uncertain significance (1 of 4 stars; one submission).

Conditions:
Long QT syndrome (LQTS). Identifiers: MedGen C0023976, MeSH D008133, MONDO:0002442. Disease mechanism: loss of function. Inheritance: Various modes of inheritance.

Allele frequency attached by ClinVar (database versions not stated): gnomAD exomes below 0.00001; TOPMed 0.00001.
gnomAD v4.1: 4 of 1,613,844 alleles (0.00025%); highest among the groups gnomAD compares: African/African-American, 0.004%; no homozygotes.

Submission:

Labcorp Genetics (formerly Invitae), Labcorp
Classification: Uncertain significance for Long QT syndrome. Last evaluated: 2022-05-21. Review status: criteria provided, single submitter. Criteria: Invitae Variant Classification Sherloc (09022015). Collection method: clinical testing. Allele origin: germline.
Comment: In summary, the available evidence is currently insufficient to determine the role of this variant in disease. Therefore, it has been classified as a Variant of Uncertain Significance. Algorithms developed to predict the effect of missense changes on protein structure and function (SIFT, PolyPhen-2, Align-GVGD) all suggest that this variant is likely to be tolerated. ClinVar contains an entry for this variant (Variation ID: 1006311). This variant has not been reported in the literature in individuals affected with SNTA1-related conditions. This variant is present in population databases (no rsID available, gnomAD 0.0009%). This sequence change replaces lysine, which is basic and polar, with glutamine, which is neutral and polar, at codon 276 of the SNTA1 protein (p.Lys276Gln).